The following is an entry in ClinVar:

NM_001103.4(ACTN2):c.1232C>T (p.Ser411Leu)

Gene: ACTN2 (actinin alpha 2; plus strand). Cytogenetic location: 1q43.
Variant type: single nucleotide variant.
Coding change: c.1232C>T on transcript NM_001103.4 (MANE Select); coding-DNA position 1232, C replaced by T.
Protein change: p.Ser411Leu; replaces serine 411 with leucine.
Molecular consequence: missense variant. On other transcripts: non-coding transcript variant (1).
Genome position (GRCh38, 1-based): chr1:236,743,020, C>T. VCF-style: chr1-236743020-C-T. GRCh37 (hg19) VCF-style: chr1-236906320-C-T.
Other names: c.1232C>T, p.Ser411Leu (NM_001278343.2); short protein forms S411L.
Identifiers: ClinVar variation 4788336 (VCV004788336.1).

ClinVar aggregate classification (germline): Uncertain significance (1 of 4 stars; one submission).

Conditions:
Dilated cardiomyopathy 1AA (CMD1AA). Also called: CARDIOMYOPATHY, DILATED, 1AA, WITH OR WITHOUT LEFT VENTRICULAR NONCOMPACTION; CARDIOMYOPATHY, FAMILIAL HYPERTROPHIC, 23, WITH OR WITHOUT LEFT VENTRICULAR NONCOMPACTION; Cardiomyopathy, dilated, 1AA, with or without LVNC. Identifiers: Orphanet 154, MedGen C2677338, MONDO:0012808, OMIM 612158.
Primary familial hypertrophic cardiomyopathy (HCM). Identifiers: Orphanet 99739, MedGen C0949658, MeSH D024741, MONDO:0024573. Inheritance: Various modes of inheritance.

gnomAD v4.1: 5 of 1,614,106 alleles (0.00031%); highest among the groups gnomAD compares: Non-Finnish European, 0.00042%; no homozygotes.

Submission:

Labcorp Genetics (formerly Invitae), Labcorp
Classification: Uncertain significance for Primary familial hypertrophic cardiomyopathy; Dilated cardiomyopathy 1AA. Last evaluated: 2025-06-14. Review status: criteria provided, single submitter. Criteria: Invitae Variant Classification Sherloc (09022015). Collection method: clinical testing. Allele origin: germline.
Comment: This sequence change replaces serine, which is neutral and polar, with leucine, which is neutral and non-polar, at codon 411 of the ACTN2 protein (p.Ser411Leu). This variant is present in population databases (rs748441967, gnomAD 0.0009%). This variant has not been reported in the literature in individuals affected with ACTN2-related conditions. Invitae Evidence Modeling of protein sequence and biophysical properties (such as structural, functional, and spatial information, amino acid conservation, physicochemical variation, residue mobility, and thermodynamic stability) indicates that this missense variant is not expected to disrupt ACTN2 protein function with a negative predictive value of 80%. In summary, the available evidence is currently insufficient to determine the role of this variant in disease. Therefore, it has been classified as a Variant of Uncertain Significance.